The following is an entry in ClinVar:

NM_000045.4(ARG1):c.457_465+18del

Genes: ARG1 (arginase 1; plus strand), MED23 (mediator complex subunit 23; minus strand). Cytogenetic location: 6q23.2.
Variant type: Deletion.
Coding change: c.457_465+18del on transcript NM_000045.4 (MANE Select); coding-DNA position 457 through 18 bases into the intron after coding-DNA position 465, 27 bases deleted (AAAGGAAAGGTAAAAGACTGGTTGGTA).
Molecular consequence: splice donor variant. On other transcripts: intron variant (3).
Genome position (GRCh38, 1-based): chr6:131,581,370-131,581,396, AAAGGAAAGGTAAAAGACTGGTTGGTA deleted; deleting any 27 consecutive bases within chr6:131,581,368-131,581,396 gives the same sequence; the c. name uses the placement nearest the transcript's 3' end. VCF-style (leftmost placement, unchanged base first): chr6-131581367-CTAAAAGGAAAGGTAAAAGACTGGTTGG-C. GRCh37 (hg19) VCF-style: chr6-131902507-CTAAAAGGAAAGGTAAAAGACTGGTTGG-C.
Other names: c.481_489+18del (NM_001244438.2); c.306-1690_306-1664del (NM_001369020.1); c.4077+6315_4077+6341del (NM_001270521.2); c.4095+6315_4095+6341del (NM_015979.4).
Identifiers: ClinVar variation 2746384 (VCV002746384.3), dbSNP rs2482370138, ClinGen allele CA2680352450.

ClinVar aggregate classification (germline): Likely pathogenic (1 of 4 stars; one submission).

Conditions:
Arginase deficiency. Also called: ARGININEMIA; ARG1 DEFICIENCY; Arginase 1 Deficiency. Identifiers: Orphanet 90, MedGen C0268548, MONDO:0008814, OMIM 207800.

Submission:

Labcorp Genetics (formerly Invitae), Labcorp
Classification: Likely pathogenic for Arginase deficiency. Last evaluated: 2023-07-25. Review status: criteria provided, single submitter. Criteria: Invitae Variant Classification Sherloc (09022015). Collection method: clinical testing. Allele origin: germline.
Comment: In summary, the currently available evidence indicates that the variant is pathogenic, but additional data are needed to prove that conclusively. Therefore, this variant has been classified as Likely Pathogenic. Algorithms developed to predict the effect of sequence changes on RNA splicing suggest that this variant may disrupt the consensus splice site. This variant has not been reported in the literature in individuals affected with ARG1-related conditions. This variant is not present in population databases (gnomAD no frequency). This variant results in the deletion of part of exon 4 (c.457_465+18del) of the ARG1 gene. It is expected to disrupt RNA splicing. Variants that disrupt the donor or acceptor splice site typically lead to a loss of protein function (PMID: 16199547), and loss-of-function variants in ARG1 are known to be pathogenic (PMID: 7649538, 12052859).

Literature cited by the submitters: PubMed 16199547; PubMed 7649538; PubMed 12052859.